The following is an entry in ClinVar:

NM_003919.3(SGCE):c.234C>T (p.Gly78=)

Genes: CASD1 (CAS1 domain sialic acid O acetyltransferase 1; plus strand), SGCE (sarcoglycan epsilon; minus strand). Cytogenetic location: 7q21.3.
Variant type: single nucleotide variant.
Coding change: c.234C>T on transcript NM_003919.3 (MANE Select); coding-DNA position 234, C replaced by T.
Protein change: p.Gly78=; no amino-acid change (glycine 78 retained).
Molecular consequence: synonymous variant. On other transcripts: 5 prime UTR variant (2).
Genome position (GRCh38, 1-based): chr7:94,628,358, G>A on the plus strand (C>T on the coding strand, the complement: SGCE is on the minus strand). VCF-style: chr7-94628358-G-A. GRCh37 (hg19) VCF-style: chr7-94257670-G-A.
Other names: c.234C>T, p.Gly78= (NM_001099400.2, NM_001099401.2, NM_001346717.2); c.111C>T, p.Gly37= (NM_001301139.2, NM_001362809.2); c.342C>T, p.Gly114= (NM_001346713.2, NM_001346715.2); c.147C>T, p.Gly49= (NM_001346719.2, NM_001362807.2); c.-40C>T (NM_001346720.2, NM_001362808.2).
Identifiers: ClinVar variation 955907 (VCV000955907.11), dbSNP rs768766085, ClinGen allele CA4348851.

ClinVar aggregate classification (germline): Conflicting classifications of pathogenicity. Review status: criteria provided, conflicting classifications (1 of 4 stars). 3 submissions from 3 submitters: Uncertain significance (1); Likely benign (2). Last evaluated 2026-05-27.

Conditions:
SGCE-related disorder. Also called: SGCE-related condition.
Myoclonic dystonia 11 (DYT11). Also called: Myoclonic dystonia; Dystonia 11; Dystonia, alcohol responsive; Hereditary essential myoclonus; SGCE Myoclonus-Dystonia; Myoclonus-Dystonia. Identifiers: Orphanet 36899, MedGen C1834570, MONDO:0008044, OMIM 159900.

Allele frequency attached by ClinVar (database versions not stated): gnomAD exomes 0.00003 and 0.00004; ExAC 0.00004; TOPMed 0.00006.
gnomAD v4.1: 55 of 1,604,808 alleles (0.0034%); highest among the groups gnomAD compares: South Asian, 0.0099%; no homozygotes.

Submissions (3):

Women's Health and Genetics/Laboratory Corporation of America, LabCorp
Classification: Uncertain significance. Last evaluated: 2026-05-27. Review status: criteria provided, single submitter. Criteria: LabCorp Variant Classification Summary - May 2015. Collection method: clinical testing. Allele origin: germline.
Comment: Variant summary: SGCE c.234C>T (p.Gly78Gly) alters a conserved nucleotide located close to a canonical splice site and therefore could affect mRNA splicing, leading to a significantly altered protein sequence. Several computational tools predict a significant impact on normal splicing: Two predict the variant creates a cryptic 5' donor site and one predicts the variant strengthens a cryptic 5' donor site. However, these predictions have yet to be confirmed by functional studies. The variant allele was found at a frequency of 4.4e-05 in 248950 control chromosomes. This frequency is not significantly higher than estimated for disease-causing variants in SGCE, allowing no conclusion about variant significance. To our knowledge, no occurrence of c.234C>T in individuals affected with SGCE-related conditions and no experimental evidence demonstrating its impact on protein function have been reported. ClinVar contains an entry for this variant (Variation ID: 955907). Based on the evidence outlined above, the variant was classified as uncertain significance.

PreventionGenetics, part of Exact Sciences
Classification: Likely benign for SGCE-related condition. Last evaluated: 2025-08-02. Review status: criteria provided, single submitter. Criteria: ACMG Guidelines, 2015. Collection method: clinical testing. Allele origin: germline.
Comment: This variant is classified as likely benign based on ACMG/AMP sequence variant interpretation guidelines (Richards et al. 2015 PMID: 25741868, with internal and published modifications).

Labcorp Genetics (formerly Invitae), Labcorp
Classification: Likely benign for Myoclonic dystonia 11. Last evaluated: 2024-06-03. Review status: criteria provided, single submitter. Criteria: Invitae Variant Classification Sherloc (09022015). Collection method: clinical testing. Allele origin: germline.